The following is an entry in ClinVar:

NM_001710.6(CFB):c.851G>A (p.Ser284Asn)

Gene: CFB (complement factor B; plus strand). Cytogenetic location: 6p21.33.
Variant type: single nucleotide variant.
Coding change: c.851G>A on transcript NM_001710.6 (MANE Select); coding-DNA position 851, G replaced by A.
Protein change: p.Ser284Asn; replaces serine 284 with asparagine.
Molecular consequence: missense variant.
Genome position (GRCh38, 1-based): chr6:31,948,035, G>A. VCF-style: chr6-31948035-G-A. GRCh37 (hg19) VCF-style: chr6-31915812-G-A.
Other names: short protein forms S284N.
Identifiers: ClinVar variation 2998381 (VCV002998381.4), dbSNP rs756948669, ClinGen allele CA3728169.

ClinVar aggregate classification (germline): Uncertain significance. Review status: criteria provided, multiple submitters, no conflicts (2 of 4 stars). 2 submissions from 2 submitters: Uncertain significance (2). Last evaluated 2025-09-26.

Conditions:
Atypical hemolytic-uremic syndrome. Identifiers: Orphanet 2134, MedGen C2931788, MONDO:0016244.

Allele frequency attached by ClinVar (database versions not stated): ExAC 0.00001; gnomAD exomes 0.00001.
gnomAD v4.1: 11 of 1,614,220 alleles (0.00068%); highest among the groups gnomAD compares: Non-Finnish European, 0.00093%; no homozygotes.

Submissions (2):

Genomenon, Inc
Classification: Uncertain significance for Atypical hemolytic-uremic syndrome. Last evaluated: 2025-09-26. Review status: criteria provided, single submitter. Criteria: Genomenon Sequence Variant Interpretation Standards - Updated. Collection method: curation. Allele origin: germline. Affected: no.
Comment: CFB p.Ser284Asn (c.851G>A) is a missense variant that changes the amino acid at residue 284 from Serine to Asparagine. This variant has been reported in the published literature (PMID:29148534). It is absent or not present at a significant frequency in gnomAD. In silico models agree that this variant is not damaging. In conclusion, we classify CFB p.Ser284Asn (c.851G>A) as a variant of uncertain significance.

Labcorp Genetics (formerly Invitae), Labcorp
Classification: Uncertain significance. Last evaluated: 2024-04-27. Review status: criteria provided, single submitter. Criteria: Invitae Variant Classification Sherloc (09022015). Collection method: clinical testing. Allele origin: germline.
Comment: This sequence change replaces serine, which is neutral and polar, with asparagine, which is neutral and polar, at codon 284 of the CFB protein (p.Ser284Asn). This variant is present in population databases (rs756948669, gnomAD 0.0009%). This variant has not been reported in the literature in individuals affected with CFB-related conditions. Advanced modeling of protein sequence and biophysical properties (such as structural, functional, and spatial information, amino acid conservation, physicochemical variation, residue mobility, and thermodynamic stability) performed at Invitae indicates that this missense variant is not expected to disrupt CFB protein function with a negative predictive value of 80%. In summary, the available evidence is currently insufficient to determine the role of this variant in disease. Therefore, it has been classified as a Variant of Uncertain Significance.

Literature cited by the submitters: PubMed 29148534 (cited by Genomenon, Inc).